The following is an entry in ClinVar:

ClinVar aggregate classification (germline): Likely benign (0 of 4 stars; one submission).

Conditions:
DNMT3A-related disorder. Also called: DNMT3A-related condition; DNMT3A-related disorders.

gnomAD v4.1: 1 of 1,614,076 alleles (0.000062%); highest among the groups gnomAD compares: South Asian, 0.0011%; no homozygotes.

Submission:

PreventionGenetics, part of Exact Sciences
Classification: Likely benign for DNMT3A-related condition. Last evaluated: 2023-08-28. Review status: no assertion criteria provided. Collection method: clinical testing. Allele origin: germline.
Comment: This variant is classified as likely benign based on ACMG/AMP sequence variant interpretation guidelines (Richards et al. 2015 PMID: 25741868, with internal and published modifications).

NM_022552.5(DNMT3A):c.966T>C (p.Ala322=)

Gene: DNMT3A (DNA methyltransferase 3 alpha; minus strand). Cytogenetic location: 2p23.3.
Variant type: single nucleotide variant.
Coding change: c.966T>C on transcript NM_022552.5 (MANE Select); coding-DNA position 966, T replaced by C.
Protein change: p.Ala322=; no amino-acid change (alanine 322 retained).
Molecular consequence: synonymous variant. On other transcripts: non-coding transcript variant (1).
Genome position (GRCh38, 1-based): chr2:25,247,639, A>G on the plus strand (T>C on the coding strand, the complement: DNMT3A is on the minus strand). VCF-style: chr2-25247639-A-G. GRCh37 (hg19) VCF-style: chr2-25470508-A-G.
Other names: c.510T>C, p.Ala170= (NM_001320893.1); c.297T>C, p.Ala99= (NM_001375819.1); c.399T>C, p.Ala133= (NM_153759.3); c.966T>C, p.Ala322= (NM_175629.2).
Identifiers: ClinVar variation 3349785 (VCV003349785.1).